The following is an entry in ClinVar:

ClinVar aggregate classification (germline): Uncertain significance (1 of 4 stars; one submission).

Allele frequency attached by ClinVar (database versions not stated): gnomAD exomes 0.00003 and 0.00009; ExAC 0.00012; 1000 Genomes Project 30x 0.00016; 1000 Genomes Project 0.00020; ESP Exome Variant Server 0.00023; gnomAD 0.00031 and 0.00034; TOPMed 0.00032.
gnomAD v4.1: 102 of 1,612,944 alleles (0.0063%); highest among the groups gnomAD compares: African/African-American, 0.12%; no homozygotes.

Submission:

Labcorp Genetics (formerly Invitae), Labcorp
Classification: Uncertain significance. Last evaluated: 2022-07-23. Review status: criteria provided, single submitter. Criteria: Invitae Variant Classification Sherloc (09022015). Collection method: clinical testing. Allele origin: germline.
Comment: This variant is present in population databases (rs370854581, gnomAD 0.1%). In summary, the available evidence is currently insufficient to determine the role of this variant in disease. Therefore, it has been classified as a Variant of Uncertain Significance. Variants that disrupt the consensus splice site are a relatively common cause of aberrant splicing (PMID: 17576681, 9536098). Algorithms developed to predict the effect of sequence changes on RNA splicing suggest that this variant is not likely to affect RNA splicing. ClinVar contains an entry for this variant (Variation ID: 1059032). This variant has not been reported in the literature in individuals affected with HSPG2-related conditions. This sequence change falls in intron 45 of the HSPG2 gene. It does not directly change the encoded amino acid sequence of the HSPG2 protein. It affects a nucleotide within the consensus splice site.

Literature cited by the submitters: PubMed 17576681; PubMed 9536098.

NM_005529.7(HSPG2):c.5701+6G>A

Gene: HSPG2 (heparan sulfate proteoglycan 2; minus strand). Cytogenetic location: 1p36.12.
Variant type: single nucleotide variant.
Coding change: c.5701+6G>A on transcript NM_005529.7 (MANE Select); 6 bases into the intron after coding-DNA position 5701, G replaced by A.
Molecular consequence: intron variant.
Genome position (GRCh38, 1-based): chr1:21,855,781, C>T on the plus strand (G>A on the coding strand, the complement: HSPG2 is on the minus strand). VCF-style: chr1-21855781-C-T. GRCh37 (hg19) VCF-style: chr1-22182274-C-T.
Other names: c.5704+6G>A (NM_001291860.2).
Identifiers: ClinVar variation 1059032 (VCV001059032.5), dbSNP rs370854581, ClinGen allele CA671828.